The following is an entry in ClinVar:

ClinVar aggregate classification (germline): Conflicting classifications of pathogenicity. Review status: criteria provided, conflicting classifications (1 of 4 stars). 2 submissions from 2 submitters: Uncertain significance (1); Likely benign (1). Last evaluated 2025-05-09.

Conditions:
Hereditary cancer-predisposing syndrome. Also called: Neoplastic Syndromes, Hereditary; Tumor predisposition; Hereditary neoplastic syndrome; Hereditary Cancer Syndrome. Identifiers: Orphanet 140162, MedGen C0027672, MeSH D009386, MONDO:0015356.
EGFR-related lung cancer (EGFR). Identifiers: MedGen CN130014.

Allele frequency attached by ClinVar (database versions not stated): TOPMed below 0.00001; gnomAD 0.00001.
gnomAD v4.1: 4 of 1,504,142 alleles (0.00027%); highest among the groups gnomAD compares: Non-Finnish European, 0.00036%; no homozygotes.

Submissions (2):

Ambry Genetics
Classification: Likely benign for Hereditary cancer-predisposing syndrome. Last evaluated: 2025-05-09. Review status: criteria provided, single submitter. Criteria: Ambry Variant Classification Scheme 2023. Collection method: clinical testing. Allele origin: germline.

Labcorp Genetics (formerly Invitae), Labcorp
Classification: Uncertain significance for EGFR-related lung cancer. Last evaluated: 2024-12-21. Review status: criteria provided, single submitter. Criteria: Invitae Variant Classification Sherloc (09022015). Collection method: clinical testing. Allele origin: germline.
Comment: This sequence change replaces proline, which is neutral and non-polar, with serine, which is neutral and polar, at codon 3 of the EGFR protein (p.Pro3Ser). This variant is not present in population databases (gnomAD no frequency). This variant has not been reported in the literature in individuals affected with EGFR-related conditions. ClinVar contains an entry for this variant (Variation ID: 1352648). An algorithm developed to predict the effect of missense changes on protein structure and function outputs the following: PolyPhen-2: "Benign". The serine amino acid residue is found in multiple mammalian species, which suggests that this missense change does not adversely affect protein function. In summary, the available evidence is currently insufficient to determine the role of this variant in disease. Therefore, it has been classified as a Variant of Uncertain Significance.

NM_005228.5(EGFR):c.7C>T (p.Pro3Ser)

Gene: EGFR (epidermal growth factor receptor; plus strand). Cytogenetic location: 7p11.2.
Variant type: single nucleotide variant.
Coding change: c.7C>T on transcript NM_005228.5 (MANE Select); coding-DNA position 7, C replaced by T.
Protein change: p.Pro3Ser; replaces proline 3 with serine.
Molecular consequence: missense variant.
Genome position (GRCh38, 1-based): chr7:55,019,284, C>T. VCF-style: chr7-55019284-C-T. GRCh37 (hg19) VCF-style: chr7-55086977-C-T.
Other names: c.7C>T (NM_005228.3); c.7C>T, p.Pro3Ser (NM_001346897.2, NM_001346898.2, NM_001346899.2 and 4 more transcripts); short protein forms P3S.
Identifiers: ClinVar variation 1352648 (VCV001352648.7), dbSNP rs773069229, ClinGen allele CA367611173.